The following is an entry in ClinVar:

ClinVar aggregate classification (germline): Uncertain significance (1 of 4 stars; one submission).

Submission:

Labcorp Genetics (formerly Invitae), Labcorp
Classification: Uncertain significance. Last evaluated: 2022-06-28. Review status: criteria provided, single submitter. Criteria: Invitae Variant Classification Sherloc (09022015). Collection method: clinical testing. Allele origin: germline.
Comment: In summary, the available evidence is currently insufficient to determine the role of this variant in disease. Therefore, it has been classified as a Variant of Uncertain Significance. Experimental studies and prediction algorithms are not available or were not evaluated, and the functional significance of this variant is currently unknown. This variant has not been reported in the literature in individuals affected with SGMS2-related conditions. This variant results in a copy number gain of the genomic region encompassing exon(s) 5-6 of the SGMS2 gene. This region includes the termination codon of the gene. This copy number gain extends beyond the assayed region for this gene and therefore may encompass additional genes. As the precise location of this event is unknown, it may be in tandem or it may be located elsewhere in the genome.

NC_000004.11:g.(?_108829701)_(108831709_?)dup

Gene: SGMS2 (sphingomyelin synthase 2; plus strand). Cytogenetic location: 4q25.
Variant type: Duplication.
Identifiers: ClinVar variation 2423818 (VCV002423818.4).